The following is an entry in ClinVar:

ClinVar aggregate classification (germline): Uncertain significance (1 of 4 stars; one submission).

gnomAD v4.1: 1 of 1,613,918 alleles (0.000062%); highest among the groups gnomAD compares: Non-Finnish European, 0.000085%; no homozygotes.

Submission:

Ambry Genetics
Classification: Uncertain significance. Last evaluated: 2026-04-09. Review status: criteria provided, single submitter. Criteria: Ambry Variant Classification Scheme 2023. Collection method: clinical testing. Allele origin: germline.
Comment: The p.T751I variant (also known as c.2252C>T), located in coding exon 15 of the MYOM1 gene, results from a C to T substitution at nucleotide position 2252. The threonine at codon 751 is replaced by isoleucine, an amino acid with similar properties. This amino acid position is conserved. In addition, this alteration is predicted to be deleterious by in silico analysis. Based on the available evidence, the clinical significance of this variant remains unclear.

NM_003803.4(MYOM1):c.2252C>T (p.Thr751Ile)

Gene: MYOM1 (myomesin 1; minus strand). Cytogenetic location: 18p11.31.
Variant type: single nucleotide variant.
Coding change: c.2252C>T on transcript NM_003803.4 (MANE Select); coding-DNA position 2252, C replaced by T.
Protein change: p.Thr751Ile; replaces threonine 751 with isoleucine.
Molecular consequence: missense variant.
Genome position (GRCh38, 1-based): chr18:3,134,782, G>A on the plus strand (C>T on the coding strand, the complement: MYOM1 is on the minus strand). VCF-style: chr18-3134782-G-A. GRCh37 (hg19) VCF-style: chr18-3134780-G-A.
Other names: c.2252C>T, p.Thr751Ile (NM_019856.2); short protein forms T751I.
Identifiers: ClinVar variation 4860675 (VCV004860675.1).